The following is an entry in ClinVar:

ClinVar aggregate classification (germline): Likely benign (1 of 4 stars; one submission).

Allele frequency attached by ClinVar (database versions not stated): gnomAD 0.00013.

Submission:

CeGaT Center for Human Genetics Tuebingen
Classification: Likely benign. Last evaluated: 2026-06-01. Review status: criteria provided, single submitter. Criteria: CeGaT Center For Human Genetics Tuebingen Variant Classification Criteria Version 2. Collection method: clinical testing. Allele origin: germline. Affected: yes. Observed: 4 variant alleles.
Comment: CLIC6: BP4, BP7

NM_053277.3(CLIC6):c.783A>G (p.Glu261=)

Gene: CLIC6 (CLIC family member 6; plus strand). Cytogenetic location: 21q22.12.
Variant type: single nucleotide variant.
Coding change: c.783A>G on transcript NM_053277.3 (MANE Select); coding-DNA position 783, A replaced by G.
Protein change: p.Glu261=; no amino-acid change (glutamic acid 261 retained).
Molecular consequence: synonymous variant.
Genome position (GRCh38, 1-based): chr21:34,670,171, A>G. VCF-style: chr21-34670171-A-G. GRCh37 (hg19) VCF-style: chr21-36042470-A-G.
Other names: c.783A>G, p.Glu261= (NM_001317009.2).
Identifiers: ClinVar variation 2652637 (VCV002652637.24), dbSNP rs62213790, ClinGen allele CA320569311.